The following is an entry in ClinVar:

NM_025081.3(NYNRIN):c.2604G>A (p.Gln868=)

Gene: NYNRIN (NYN domain and retroviral integrase containing; plus strand). Cytogenetic location: 14q12.
Variant type: single nucleotide variant.
Coding change: c.2604G>A on transcript NM_025081.3 (MANE Select); coding-DNA position 2604, G replaced by A.
Protein change: p.Gln868=; no amino-acid change (glutamine 868 retained).
Molecular consequence: synonymous variant.
Genome position (GRCh38, 1-based): chr14:24,411,412, G>A. VCF-style: chr14-24411412-G-A. GRCh37 (hg19) VCF-style: chr14-24880618-G-A.
Identifiers: ClinVar variation 5001992 (VCV005001992.1).

ClinVar aggregate classification (germline): Likely benign (1 of 4 stars; one submission).

Conditions:
NYNRIN-related disorder. Also called: NYNRIN-related condition.

Submission:

PreventionGenetics, part of Exact Sciences
Classification: Likely benign for NYNRIN-related condition. Last evaluated: 2024-11-14. Review status: criteria provided, single submitter. Criteria: ACMG Guidelines, 2015. Collection method: clinical testing. Allele origin: germline.
Comment: This variant is classified as likely benign based on ACMG/AMP sequence variant interpretation guidelines (Richards et al. 2015 PMID: 25741868, with internal and published modifications).